The following is an entry in ClinVar:

ClinVar aggregate classification (germline): Uncertain significance (1 of 4 stars; one submission).

Conditions:
Epilepsy, familial adult myoclonic, 5 (EPEO5). Also called: CORTICAL MYOCLONIC TREMOR WITH EPILEPSY, FAMILIAL, 5. Identifiers: Orphanet 86814, MedGen C3809374, MONDO:0014167, OMIM 615400.

Submission:

Labcorp Genetics (formerly Invitae), Labcorp
Classification: Uncertain significance for Epilepsy, familial adult myoclonic, 5. Last evaluated: 2022-06-27. Review status: criteria provided, single submitter. Criteria: Invitae Variant Classification Sherloc (09022015). Collection method: clinical testing. Allele origin: germline.
Comment: This variant has not been reported in the literature in individuals affected with CNTN2-related conditions. In summary, the available evidence is currently insufficient to determine the role of this variant in disease. Therefore, it has been classified as a Variant of Uncertain Significance. Advanced modeling of protein sequence and biophysical properties (such as structural, functional, and spatial information, amino acid conservation, physicochemical variation, residue mobility, and thermodynamic stability) performed at Invitae indicates that this missense variant is not expected to disrupt CNTN2 protein function. This variant is not present in population databases (gnomAD no frequency). This sequence change replaces valine, which is neutral and non-polar, with leucine, which is neutral and non-polar, at codon 358 of the CNTN2 protein (p.Val358Leu).

NM_005076.5(CNTN2):c.1072G>T (p.Val358Leu)

Gene: CNTN2 (contactin 2; plus strand). Cytogenetic location: 1q32.1.
Variant type: single nucleotide variant.
Coding change: c.1072G>T on transcript NM_005076.5 (MANE Select); coding-DNA position 1072, G replaced by T.
Protein change: p.Val358Leu; replaces valine 358 with leucine.
Molecular consequence: missense variant. On other transcripts: non-coding transcript variant (1).
Genome position (GRCh38, 1-based): chr1:205,061,963, G>T. VCF-style: chr1-205061963-G-T. GRCh37 (hg19) VCF-style: chr1-205031091-G-T.
Other names: c.1072G>T, p.Val358Leu (NM_001346083.2); short protein forms V358L.
Identifiers: ClinVar variation 2011626 (VCV002011626.4), dbSNP rs755762465, ClinGen allele CA344410466.
Genomic context (GRCh38, chr1:205,061,963, plus strand): 5'-GCTGACATTGGCTCCAACCTGCGTTGGGGCTGTGCAGCCGCCGGCAAGCCCCGGCCTACA[G>T]TGCGCTGGCTGCGGAACGGGGAGCCTCTGGCCTCCCAGGTAGGAGACATGGGGCTTCCCC-3'
Protein context (NP_005067.1, residues 348-368): CAAAGKPRPT[Val358Leu]RWLRNGEPLA